The following is an entry in ClinVar:

NM_000026.4(ADSL):c.153+11C>G

Gene: ADSL (adenylosuccinate lyase; plus strand). Cytogenetic location: 22q13.1.
Variant type: single nucleotide variant.
Coding change: c.153+11C>G on transcript NM_000026.4 (MANE Select); 11 bases into the intron after coding-DNA position 153, C replaced by G.
Molecular consequence: intron variant.
Genome position (GRCh38, 1-based): chr22:40,346,722, C>G. VCF-style: chr22-40346722-C-G. GRCh37 (hg19) VCF-style: chr22-40742726-C-G.
Other names: c.153+11C>G (NM_001363840.3, NM_001123378.3); c.-40+66C>G (NM_001317923.2).
Identifiers: ClinVar variation 386952 (VCV000386952.1), dbSNP rs754451782, ClinGen allele CA10247621.

ClinVar aggregate classification (germline): Likely benign (1 of 4 stars; one submission).

Allele frequency attached by ClinVar (database versions not stated): gnomAD exomes below 0.00001; ExAC 0.00003; TOPMed 0.00001; gnomAD 0.00001.
gnomAD v4.1: 5 of 1,598,574 alleles (0.00031%); highest among the groups gnomAD compares: African/African-American, 0.0067%; no homozygotes.

Submission:

GeneDx
Classification: Likely benign. Last evaluated: 2016-06-21. Review status: criteria provided, single submitter. Criteria: GeneDx Variant Classification (06012015). Collection method: clinical testing. Allele origin: germline. Affected: yes.
Comment: This variant is considered likely benign or benign based on one or more of the following criteria: it is a conservative change, it occurs at a poorly conserved position in the protein, it is predicted to be benign by multiple in silico algorithms, and/or has population frequency not consistent with disease.